The following is an entry in ClinVar:

ClinVar aggregate classification (germline): Uncertain significance (1 of 4 stars; one submission).

Conditions:
Dyskeratosis congenita, autosomal dominant 2. Identifiers: MedGen C3151443, MONDO:0013521, OMIM 613989.
Idiopathic Pulmonary Fibrosis. Also called: Idiopathic fibrosing alveolitis, chronic form; idiopathic fibrosing alveolitis. Identifiers: Orphanet 2032, MedGen C1800706, MeSH D054990, MONDO:0800504.

Allele frequency attached by ClinVar (database versions not stated): gnomAD exomes below 0.00001.
gnomAD v4.1: 1 of 1,613,694 alleles (0.000062%); highest among the groups gnomAD compares: Non-Finnish European, 0.000085%; no homozygotes.

Submission:

Labcorp Genetics (formerly Invitae), Labcorp
Classification: Uncertain significance for Dyskeratosis congenita, autosomal dominant 2; Idiopathic Pulmonary Fibrosis. Last evaluated: 2023-04-06. Review status: criteria provided, single submitter. Criteria: Invitae Variant Classification Sherloc (09022015). Collection method: clinical testing. Allele origin: germline.
Comment: In summary, the available evidence is currently insufficient to determine the role of this variant in disease. Therefore, it has been classified as a Variant of Uncertain Significance. This sequence change replaces glutamic acid, which is acidic and polar, with glycine, which is neutral and non-polar, at codon 611 of the TERT protein (p.Glu611Gly). This variant is not present in population databases (gnomAD no frequency). This variant has not been reported in the literature in individuals affected with TERT-related conditions. Advanced modeling of protein sequence and biophysical properties (such as structural, functional, and spatial information, amino acid conservation, physicochemical variation, residue mobility, and thermodynamic stability) has been performed at Invitae for this missense variant, however the output from this modeling did not meet the statistical confidence thresholds required to predict the impact of this variant on TERT protein function.

NM_198253.3(TERT):c.1832A>G (p.Glu611Gly)

Gene: TERT (telomerase reverse transcriptase; minus strand). Cytogenetic location: 5p15.33.
Variant type: single nucleotide variant.
Coding change: c.1832A>G on transcript NM_198253.3 (MANE Select); coding-DNA position 1832, A replaced by G.
Protein change: p.Glu611Gly; replaces glutamic acid 611 with glycine.
Molecular consequence: missense variant. On other transcripts: non-coding transcript variant (2).
Genome position (GRCh38, 1-based): chr5:1,280,276, T>C on the plus strand (A>G on the coding strand, the complement: TERT is on the minus strand). VCF-style: chr5-1280276-T-C. GRCh37 (hg19) VCF-style: chr5-1280391-T-C.
Other names: c.1832A>G, p.Glu611Gly (NM_001193376.3, NM_003219.1); short protein forms E611G.
Identifiers: ClinVar variation 2946197 (VCV002946197.3), dbSNP rs2478285568, ClinGen allele CA359081864.
Genomic context (GRCh38, chr5:1,280,276, plus strand): 5'-CGCAGCCCGTCAGGCTTGGGGATGAAGCGGAGTCTGGACGTCAGCAGGGCGGGCCTGGCT[T>C]CCCGATGCTGCCTGACCTCTGCTTCCGACAGCTCCCGCAGCTGCACCCTCTTCAAGTGCT-3'
Protein context (NP_937983.2, residues 601-621): LSEAEVRQHR[Glu611Gly]ARPALLTSRL